The following is an entry in ClinVar:

NM_003073.5(SMARCB1):c.766G>A (p.Asp256Asn)

Gene: SMARCB1 (SWI/SNF related BAF chromatin remodeling complex subunit B1; plus strand). Cytogenetic location: 22q11.23.
Variant type: single nucleotide variant.
Coding change: c.766G>A on transcript NM_003073.5 (MANE Select); coding-DNA position 766, G replaced by A.
Protein change: p.Asp256Asn; replaces aspartic acid 256 with asparagine.
Molecular consequence: missense variant.
Genome position (GRCh38, 1-based): chr22:23,816,907, G>A. VCF-style: chr22-23816907-G-A. GRCh37 (hg19) VCF-style: chr22-24159094-G-A.
Other names: c.739G>A, p.Asp247Asn (NM_001007468.3); c.793G>A, p.Asp265Asn (NM_001317946.2); c.820G>A, p.Asp274Asn (NM_001362877.2); short protein forms D265N, D274N, D256N, D247N.
Identifiers: ClinVar variation 3798954 (VCV003798954.1).

ClinVar aggregate classification (germline): Uncertain significance (1 of 4 stars; one submission).

Conditions:
Hereditary cancer-predisposing syndrome. Also called: Neoplastic Syndromes, Hereditary; Hereditary Cancer Syndrome; Tumor predisposition; Hereditary neoplastic syndrome. Identifiers: Orphanet 140162, MedGen C0027672, MeSH D009386, MONDO:0015356.

Submission:

Ambry Genetics
Classification: Uncertain significance for Hereditary cancer-predisposing syndrome. Last evaluated: 2025-01-23. Review status: criteria provided, single submitter. Criteria: Ambry Variant Classification Scheme 2023. Collection method: clinical testing. Allele origin: germline.
Comment: The p.D256N variant (also known as c.766G>A), located in coding exon 6 of the SMARCB1 gene, results from a G to A substitution at nucleotide position 766. The aspartic acid at codon 256 is replaced by asparagine, an amino acid with highly similar properties. This amino acid position is conserved. In addition, this alteration is predicted to be tolerated by in silico analysis. Based on the available evidence, the clinical significance of this variant remains unclear.